The following is an entry in ClinVar:

ClinVar aggregate classification (germline): Uncertain significance (1 of 4 stars; one submission).

Conditions:
Bethlem myopathy 1A. Also called: Bethlem myopathy 1; Bethlem Muscular Dystrophy; MYOPATHY, BENIGN CONGENITAL, WITH CONTRACTURES. Identifiers: Orphanet 610, MedGen CN029274, MONDO:0024530, OMIM 158810.

Submission:

Labcorp Genetics (formerly Invitae), Labcorp
Classification: Uncertain significance for Bethlem myopathy 1A. Last evaluated: 2021-12-30. Review status: criteria provided, single submitter. Criteria: Invitae Variant Classification Sherloc (09022015). Collection method: clinical testing. Allele origin: germline.
Comment: In summary, the available evidence is currently insufficient to determine the role of this variant in disease. Therefore, it has been classified as a Variant of Uncertain Significance. Algorithms developed to predict the effect of missense changes on protein structure and function are either unavailable or do not agree on the potential impact of this missense change (SIFT: "Deleterious"; PolyPhen-2: "Probably Damaging"; Align-GVGD: "Class C15"). This variant has not been reported in the literature in individuals affected with COL6A3-related conditions. This variant is not present in population databases (gnomAD no frequency). This sequence change replaces glycine, which is neutral and non-polar, with arginine, which is basic and polar, at codon 1102 of the COL6A3 protein (p.Gly1102Arg).

NM_004369.4(COL6A3):c.3304G>A (p.Gly1102Arg)

Gene: COL6A3 (collagen type VI alpha 3 chain; minus strand). Cytogenetic location: 2q37.3.
Variant type: single nucleotide variant.
Coding change: c.3304G>A on transcript NM_004369.4 (MANE Select); coding-DNA position 3304, G replaced by A.
Protein change: p.Gly1102Arg; replaces glycine 1102 with arginine.
Molecular consequence: missense variant.
Genome position (GRCh38, 1-based): chr2:237,374,787, C>T on the plus strand (G>A on the coding strand, the complement: COL6A3 is on the minus strand). VCF-style: chr2-237374787-C-T. GRCh37 (hg19) VCF-style: chr2-238283430-C-T.
Other names: c.2083G>A, p.Gly695Arg (NM_057164.5); c.2686G>A, p.Gly896Arg (NM_057165.5, NM_057167.4); c.1483G>A, p.Gly495Arg (NM_057166.5); short protein forms G1102R, G695R, G495R, G896R.
Identifiers: ClinVar variation 1393365 (VCV001393365.6), dbSNP rs2106361380, ClinGen allele CA351203840.
Genomic context (GRCh38, chr2:237,374,787, plus strand): 5'-TGACCAGGATGTTCCTCAGGACAAACTCCAGGGCGGCCCCGGTGTTGGGGGTCGGCCCTC[C>T]CAGCAGGGTCAGCTGGCGGACAGCGTTGACGACGTCCTGCTTGTTCATGTATGAATTCAG-3'
Protein context (NP_004360.2, residues 1092-1112): VNAVRQLTLL[Gly1102Arg]GPTPNTGAAL